The following is an entry in ClinVar:

NM_004082.5(DCTN1):c.2317-2A>T

Gene: DCTN1 (dynactin subunit 1; minus strand). Cytogenetic location: 2p13.1.
Variant type: single nucleotide variant.
Coding change: c.2317-2A>T on transcript NM_004082.5 (MANE Select); the canonical splice acceptor site of the intron before coding-DNA position 2317, A replaced by T.
Molecular consequence: splice acceptor variant.
Genome position (GRCh38, 1-based): chr2:74,366,934, T>A on the plus strand (A>T on the coding strand, the complement: DCTN1 is on the minus strand). VCF-style: chr2-74366934-T-A. GRCh37 (hg19) VCF-style: chr2-74594061-T-A.
Other names: c.2266-2A>T (NM_001378991.1); c.2257-2A>T (NM_001135040.3); c.2296-2A>T (NM_001190837.2); c.1915-2A>T (NM_001135041.3, NM_023019.4); c.2206-2A>T (NM_001190836.2); c.2248-2A>T (NM_001378992.1).
Identifiers: ClinVar variation 1482790 (VCV001482790.6), dbSNP rs980571603, ClinGen allele CA50475121.
Genomic context (GRCh38, chr2:74,366,934, plus strand): 5'-CTGCATGAAGTTTCCAGATCCCGGAGCAGGAGGGCAATATCTGTAGCCTCCTGCCCACCC[T>A]ACTCAGGAAAAAGAAAATGGATGGAGAACCAAGTTAGCATTAAGGCTCGGAGTAAGGAAG-3'

ClinVar aggregate classification (germline): Uncertain significance (1 of 4 stars; one submission).

Conditions:
Amyotrophic lateral sclerosis type 1 (ALS1). Also called: AMYOTROPHIC LATERAL SCLEROSIS 1, FAMILIAL. Identifiers: Orphanet 803, MedGen C1862939, MONDO:0007103, OMIM 105400.
Perry syndrome. Also called: PARKINSONISM WITH ALVEOLAR HYPOVENTILATION AND MENTAL DEPRESSION. Identifiers: Orphanet 178509, MedGen C1868594, MONDO:0008201, OMIM 168605.
Neuronopathy, distal hereditary motor, type 7B. Also called: HMN VIIB; Distal Hereditary Motor Neuronopathy Type 7B (dHMN7B); LOWER MOTOR NEURON DISEASE, DYNACTIN TYPE; NEURONOPATHY, DISTAL HEREDITARY MOTOR, AUTOSOMAL DOMINANT 14; NEURONOPATHY, DISTAL HEREDITARY MOTOR, HARDING TYPE VIIB; NEUROPATHY, DISTAL HEREDITARY MOTOR, HARDING TYPE VIIB. Identifiers: Orphanet 139589, MedGen C1843315, MONDO:0011879, OMIM 607641.

Submission:

Labcorp Genetics (formerly Invitae), Labcorp
Classification: Uncertain significance for Amyotrophic lateral sclerosis type 1; Neuronopathy, distal hereditary motor, type 7B; Perry syndrome. Last evaluated: 2021-11-30. Review status: criteria provided, single submitter. Criteria: Invitae Variant Classification Sherloc (09022015). Collection method: clinical testing. Allele origin: germline.
Comment: In summary, the available evidence is currently insufficient to determine the role of this variant in disease. Therefore, it has been classified as a Variant of Uncertain Significance. Algorithms developed to predict the effect of sequence changes on RNA splicing suggest that this variant may disrupt the consensus splice site. This variant has not been reported in the literature in individuals affected with DCTN1-related conditions. This variant is not present in population databases (gnomAD no frequency). This sequence change affects an acceptor splice site in intron 20 of the DCTN1 gene. It is expected to disrupt RNA splicing. Variants that disrupt the donor or acceptor splice site typically lead to a loss of protein function (PMID: 16199547), however the current clinical and genetic evidence is not sufficient to establish whether loss-of-function variants in DCTN1 cause disease.

Literature cited by the submitters: PubMed 16199547.